The following is an entry in ClinVar:

NM_002815.4(PSMD11):c.1057C>G (p.Leu353Val)

Gene: PSMD11 (proteasome 26S subunit, non-ATPase 11; plus strand). Cytogenetic location: 17q11.2.
Variant type: single nucleotide variant.
Coding change: c.1057C>G on transcript NM_002815.4 (MANE Select); coding-DNA position 1057, C replaced by G.
Protein change: p.Leu353Val; replaces leucine 353 with valine.
Molecular consequence: missense variant.
Genome position (GRCh38, 1-based): chr17:32,479,869, C>G. VCF-style: chr17-32479869-C-G. GRCh37 (hg19) VCF-style: chr17-30806887-C-G.
Other names: c.1057C>G, p.Leu353Val (NM_001270482.2); short protein forms L353V.
Identifiers: ClinVar variation 3899738 (VCV003899738.1).

ClinVar aggregate classification (germline): Uncertain significance (1 of 4 stars; one submission).

Submission:

GeneDx
Classification: Uncertain significance. Last evaluated: 2024-11-15. Review status: criteria provided, single submitter. Criteria: GeneDx Variant Classification Process June 2021. Collection method: clinical testing. Allele origin: germline. Affected: yes.
Comment: Not observed at significant frequency in large population cohorts (gnomAD); In silico analysis indicates that this missense variant does not alter protein structure/function; Has not been previously published as pathogenic or benign to our knowledge